The following is an entry in ClinVar:

NM_178857.6(RP1L1):c.167G>A (p.Arg56His)

Gene: RP1L1 (RP1 like 1). Cytogenetic location: 8p23.1.
Variant type: single nucleotide variant.
Coding change: c.167G>A on transcript NM_178857.6 (MANE Select); coding-DNA position 167, G replaced by A.
Protein change: p.Arg56His; replaces arginine 56 with histidine.
Molecular consequence: missense variant.
Genome position (GRCh38, 1-based): chr8:10,623,035, C>T on the plus strand (G>A on the coding strand, the complement: RP1L1 is on the minus strand). VCF-style: chr8-10623035-C-T. GRCh37 (hg19) VCF-style: chr8-10480545-C-T.
Other names: c.167G>A (NM_178857.5); short protein forms R56H.
Identifiers: ClinVar variation 2063828 (VCV002063828.6), dbSNP rs776560263, ClinGen allele CA4625846.

ClinVar aggregate classification (germline): Uncertain significance. Review status: criteria provided, multiple submitters, no conflicts (2 of 4 stars). 3 submissions from 3 submitters: Uncertain significance (3). Last evaluated 2025-09-22.

Conditions:
RP1L1-related disorder. Also called: RP1L1-related condition.

Allele frequency attached by ClinVar (database versions not stated): ExAC 0.00003; gnomAD exomes 0.00003; TOPMed 0.00004; gnomAD 0.00005.
gnomAD v4.1: 50 of 1,614,034 alleles (0.0031%); highest among the groups gnomAD compares: Admixed American, 0.038%; no homozygotes.

Submissions (3):

Labcorp Genetics (formerly Invitae), Labcorp
Classification: Uncertain significance. Last evaluated: 2025-09-22. Review status: criteria provided, single submitter. Criteria: Invitae Variant Classification Sherloc (09022015). Collection method: clinical testing. Allele origin: germline.
Comment: This sequence change replaces arginine, which is basic and polar, with histidine, which is basic and polar, at codon 56 of the RP1L1 protein (p.Arg56His). This variant is present in population databases (rs776560263, gnomAD 0.02%). This variant has not been reported in the literature in individuals affected with RP1L1-related conditions. ClinVar contains an entry for this variant (Variation ID: 2063828). Invitae Evidence Modeling of protein sequence and biophysical properties (such as structural, functional, and spatial information, amino acid conservation, physicochemical variation, residue mobility, and thermodynamic stability) indicates that this missense variant is not expected to disrupt RP1L1 protein function with a negative predictive value of 80%. In summary, the available evidence is currently insufficient to determine the role of this variant in disease. Therefore, it has been classified as a Variant of Uncertain Significance.

PreventionGenetics, part of Exact Sciences
Classification: Uncertain significance for RP1L1-related condition. Last evaluated: 2025-05-30. Review status: criteria provided, single submitter. Criteria: ACMG Guidelines, 2015. Collection method: clinical testing. Allele origin: germline.
Comment: The RP1L1 c.167G>A variant is predicted to result in the amino acid substitution p.Arg56His. To our knowledge, this variant has not been reported in individuals with RP1L1-related retinal disease. This variant is reported in 0.020% of alleles in individuals of Latino descent in gnomAD. At this time, the clinical significance of this variant is uncertain due to the absence of conclusive functional and genetic evidence.

Blueprint Genetics
Classification: Uncertain significance. Last evaluated: 2024-05-15. Review status: criteria provided, single submitter. Criteria: ACMG Guidelines, 2015. Collection method: clinical testing. Allele origin: germline.